The following is an entry in ClinVar:

ClinVar aggregate classification (germline): Uncertain significance. Review status: criteria provided, multiple submitters, no conflicts (2 of 4 stars). 2 submissions from 2 submitters: Uncertain significance (2). Last evaluated 2023-05-16.

Conditions:
Familial thoracic aortic aneurysm and aortic dissection (TAAD). Also called: Thoracic aortic aneurysms and dissections. Identifiers: Orphanet 91387, MedGen C4707243, MONDO:0019625.

Submissions (2):

All of Us Research Program, National Institutes of Health
Classification: Uncertain significance for Familial thoracic aortic aneurysm and aortic dissection. Last evaluated: 2023-05-16. Review status: criteria provided, single submitter. Criteria: ACMG Guidelines, 2015. Collection method: clinical testing. Allele origin: germline. Inheritance: Autosomal dominant inheritance. Observed: 1 variant allele, 1 heterozygote.
Comment: This missense variant replaces glutamine with glutamic acid at codon 1658 of the MYH11 protein. Computational prediction suggests that this variant may have deleterious impact on protein structure and function (internally defined REVEL score threshold >= 0.7, PMID: 27666373). To our knowledge, functional studies have not been reported for this variant. This variant has not been reported in individuals affected with cardiovascular disorders in the literature. This variant has not been identified in the general population by the Genome Aggregation Database (gnomAD). The available evidence is insufficient to determine the role of this variant in disease conclusively. Therefore, this variant is classified as a Variant of Uncertain Significance.

This study involves interpretation of variants in research participants for the purpose of population health screening. Participant phenotype was not available at the time of variant classification. Additional details can be found in publication PMID: 35346344, PMCID: PMC8962531

Color Diagnostics, LLC DBA Color Health
Classification: Uncertain significance for Familial thoracic aortic aneurysm and aortic dissection. Last evaluated: 2023-05-08. Review status: criteria provided, single submitter. Criteria: ACMG Guidelines, 2015. Collection method: clinical testing. Allele origin: germline.
Comment: This missense variant replaces glutamine with glutamic acid at codon 1658 of the MYH11 protein. Computational prediction suggests that this variant may have deleterious impact on protein structure and function (internally defined REVEL score threshold >= 0.7, PMID: 27666373). To our knowledge, functional studies have not been reported for this variant. This variant has not been reported in individuals affected with cardiovascular disorders in the literature. This variant has not been identified in the general population by the Genome Aggregation Database (gnomAD). The available evidence is insufficient to determine the role of this variant in disease conclusively. Therefore, this variant is classified as a Variant of Uncertain Significance.

NM_002474.3(MYH11):c.4951C>G (p.Gln1651Glu)

Genes: NDE1 (nudE neurodevelopment protein 1; plus strand), MYH11 (myosin heavy chain 11; minus strand). Cytogenetic location: 16p13.11.
Variant type: single nucleotide variant.
Coding change: c.4951C>G on transcript NM_002474.3 (MANE Select); coding-DNA position 4951, C replaced by G.
Protein change: p.Gln1651Glu; replaces glutamine 1651 with glutamic acid.
Molecular consequence: missense variant. On other transcripts: intron variant (2).
Genome position (GRCh38, 1-based): chr16:15,720,153, G>C on the plus strand (C>G on the coding strand, the complement: MYH11 is on the minus strand). VCF-style: chr16-15720153-G-C. GRCh37 (hg19) VCF-style: chr16-15814010-G-C.
Other names: c.4972C>G, p.Gln1658Glu (NM_001040113.2, NM_001040114.2); c.4951C>G, p.Gln1651Glu (NM_022844.3); c.948-4038G>C (NM_001143979.2, NM_017668.3); short protein forms Q1651E, Q1658E.
Identifiers: ClinVar variation 1171710 (VCV001171710.5), dbSNP rs2151206068, ClinGen allele CA394852205.